The following is an entry in ClinVar:

NM_015610.4(WIPI2):c.1267C>T (p.Leu423=)

Gene: WIPI2 (WD repeat domain, phosphoinositide interacting 2; plus strand). Cytogenetic location: 7p22.1.
Variant type: single nucleotide variant.
Coding change: c.1267C>T on transcript NM_015610.4 (MANE Select); coding-DNA position 1267, C replaced by T.
Protein change: p.Leu423=; no amino-acid change (leucine 423 retained).
Molecular consequence: synonymous variant.
Genome position (GRCh38, 1-based): chr7:5,230,849, C>T. VCF-style: chr7-5230849-C-T. GRCh37 (hg19) VCF-style: chr7-5270480-C-T.
Other names: c.1234C>T, p.Leu412= (NM_001033518.2); c.1180C>T, p.Leu394= (NM_001033519.2); c.1057C>T, p.Leu353= (NM_001033520.1); c.835C>T, p.Leu279= (NM_001278299.2); c.1213C>T, p.Leu405= (NM_016003.4); c.1267C>T (NM_015610.3).
Identifiers: ClinVar variation 773208 (VCV000773208.29), dbSNP rs35062616, ClinGen allele CA4142072.

ClinVar aggregate classification (germline): Benign/Likely benign. Review status: criteria provided, multiple submitters, no conflicts (2 of 4 stars). 4 submissions from 4 submitters: Benign (1); Likely benign (2). 1 of the submissions does not count toward it. Last evaluated 2026-09-01.

Conditions:
WIPI2-related disorder. Also called: WIPI2-related condition.

Allele frequency attached by ClinVar (database versions not stated): gnomAD 0.00153; TOPMed 0.00275; 1000 Genomes Project 0.00300; ESP Exome Variant Server 0.00315; 1000 Genomes Project 30x 0.00328.
gnomAD v4.1: 4,154 of 1,613,708 alleles (0.26%); highest among the groups gnomAD compares: Middle Eastern, 2%; 19 homozygotes.

Submissions (4):

CeGaT Center for Human Genetics Tuebingen
Classification: Likely benign. Last evaluated: 2026-09-01. Review status: criteria provided, single submitter. Criteria: CeGaT Center For Human Genetics Tuebingen Variant Classification Criteria Version 2. Collection method: clinical testing. Allele origin: germline. Affected: yes. Observed: 12 variant alleles.
Comment: WIPI2: BP4, BS2

Blueprint Genetics
Classification: Likely benign. Last evaluated: 2024-11-25. Review status: criteria provided, single submitter. Criteria: ACMG Guidelines, 2015. Collection method: clinical testing. Allele origin: germline.

Labcorp Genetics (formerly Invitae), Labcorp
Classification: Benign. Last evaluated: 2018-06-26. Review status: criteria provided, single submitter. Criteria: Invitae Variant Classification Sherloc (09022015). Collection method: clinical testing. Allele origin: germline.

PreventionGenetics, part of Exact Sciences
Classification: Likely benign for WIPI2-related condition. Last evaluated: 2019-12-09. Review status: no assertion criteria provided. Collection method: clinical testing. Allele origin: germline. Not counted in ClinVar's aggregate classification.
Comment: This variant is classified as likely benign based on ACMG/AMP sequence variant interpretation guidelines (Richards et al. 2015 PMID: 25741868, with internal and published modifications).